The following is an entry in ClinVar:

NM_001849.4(COL6A2):c.2354A>G (p.Asn785Ser)

Gene: COL6A2 (collagen type VI alpha 2 chain; plus strand). Cytogenetic location: 21q22.3.
Variant type: single nucleotide variant.
Coding change: c.2354A>G on transcript NM_001849.4 (MANE Select); coding-DNA position 2354, A replaced by G.
Protein change: p.Asn785Ser; replaces asparagine 785 with serine.
Molecular consequence: missense variant.
Genome position (GRCh38, 1-based): chr21:46,126,169, A>G. VCF-style: chr21-46126169-A-G. GRCh37 (hg19) VCF-style: chr21-47546083-A-G.
Other names: c.2354A>G, p.Asn785Ser (NM_058174.3, NM_058175.3); short protein forms N785S.
Identifiers: ClinVar variation 593958 (VCV000593958.9), dbSNP rs746466184, ClinGen allele CA410542720.

ClinVar aggregate classification (germline): Uncertain significance. Review status: criteria provided, multiple submitters, no conflicts (2 of 4 stars). 2 submissions from 2 submitters: Uncertain significance (2). Last evaluated 2022-07-23.

Conditions:
Bethlem myopathy 1A. Also called: Bethlem myopathy 1; MYOPATHY, BENIGN CONGENITAL, WITH CONTRACTURES; Bethlem Muscular Dystrophy. Identifiers: Orphanet 610, MedGen CN029274, MONDO:0024530, OMIM 158810.

Allele frequency attached by ClinVar (database versions not stated): TOPMed 0.00001.

Submissions (2):

Labcorp Genetics (formerly Invitae), Labcorp
Classification: Uncertain significance for Bethlem myopathy 1A. Last evaluated: 2022-07-23. Review status: criteria provided, single submitter. Criteria: Invitae Variant Classification Sherloc (09022015). Collection method: clinical testing. Allele origin: germline.
Comment: ClinVar contains an entry for this variant (Variation ID: 593958). In summary, the available evidence is currently insufficient to determine the role of this variant in disease. Therefore, it has been classified as a Variant of Uncertain Significance. Advanced modeling of protein sequence and biophysical properties (such as structural, functional, and spatial information, amino acid conservation, physicochemical variation, residue mobility, and thermodynamic stability) performed at Invitae indicates that this missense variant is not expected to disrupt COL6A2 protein function. This variant has not been reported in the literature in individuals affected with COL6A2-related conditions. This variant is not present in population databases (gnomAD no frequency). This sequence change replaces asparagine, which is neutral and polar, with serine, which is neutral and polar, at codon 785 of the COL6A2 protein (p.Asn785Ser).

Eurofins Ntd Llc (ga)
Classification: Uncertain significance. Last evaluated: 2017-09-25. Review status: criteria provided, single submitter. Criteria: EGL Classification Definitions 2015. Collection method: clinical testing. Allele origin: germline. Observed: 1 variant allele, 1 heterozygote.